The following is an entry in ClinVar:

ClinVar aggregate classification (germline): Benign/Likely benign. Review status: criteria provided, multiple submitters, no conflicts (2 of 4 stars). 4 submissions from 4 submitters: Benign (2); Likely benign (1). 1 of the submissions does not count toward it. Last evaluated 2026-01-11.

Conditions:
HYOU1-related disorder. Also called: HYOU1-related condition.

Allele frequency attached by ClinVar (database versions not stated): gnomAD exomes 0.00013 and 0.00037; ExAC 0.00049; ESP Exome Variant Server 0.00115; gnomAD 0.00126 and 0.00135; TOPMed 0.00130; 1000 Genomes Project 0.00180; 1000 Genomes Project 30x 0.00203.
gnomAD v4.1: 387 of 1,614,202 alleles (0.024%); highest among the groups gnomAD compares: African/African-American, 0.44%; no homozygotes.

Submissions (4):

Labcorp Genetics (formerly Invitae), Labcorp
Classification: Benign. Last evaluated: 2026-01-11. Review status: criteria provided, single submitter. Criteria: Invitae Variant Classification Sherloc (09022015). Collection method: clinical testing. Allele origin: germline.

Blueprint Genetics
Classification: Likely benign. Last evaluated: 2023-07-14. Review status: criteria provided, single submitter. Criteria: ACMG Guidelines, 2015. Collection method: clinical testing. Allele origin: germline.

Breakthrough Genomics
Classification: Benign. Review status: criteria provided, single submitter. Criteria: ACMG Guidelines, 2015. Collection method: not provided. Allele origin: germline. Inheritance: Autosomal recessive inheritance. Affected: yes.

PreventionGenetics, part of Exact Sciences
Classification: Likely benign for HYOU1-related condition. Last evaluated: 2023-10-18. Review status: no assertion criteria provided. Collection method: clinical testing. Allele origin: germline. Not counted in ClinVar's aggregate classification.
Comment: This variant is classified as likely benign based on ACMG/AMP sequence variant interpretation guidelines (Richards et al. 2015 PMID: 25741868, with internal and published modifications).

NM_006389.5(HYOU1):c.2487C>G (p.Leu829=)

Gene: HYOU1 (hypoxia up-regulated 1; minus strand). Cytogenetic location: 11q23.3.
Variant type: single nucleotide variant.
Coding change: c.2487C>G on transcript NM_006389.5 (MANE Select); coding-DNA position 2487, C replaced by G.
Protein change: p.Leu829=; no amino-acid change (leucine 829 retained).
Molecular consequence: synonymous variant.
Genome position (GRCh38, 1-based): chr11:119,047,970, G>C on the plus strand (C>G on the coding strand, the complement: HYOU1 is on the minus strand). VCF-style: chr11-119047970-G-C. GRCh37 (hg19) VCF-style: chr11-118918682-G-C.
Other names: c.2487C>G (NM_006389.4); c.2487C>G, p.Leu829= (NM_001130991.3).
Identifiers: ClinVar variation 724765 (VCV000724765.13), dbSNP rs138286788, ClinGen allele CA229618111.